The following is an entry in ClinVar:

NM_000135.4(FANCA):c.2394C>G (p.Leu798=)

Gene: FANCA (FA complementation group A; minus strand). Cytogenetic location: 16q24.3.
Variant type: single nucleotide variant.
Coding change: c.2394C>G on transcript NM_000135.4 (MANE Select); coding-DNA position 2394, C replaced by G.
Protein change: p.Leu798=; no amino-acid change (leucine 798 retained).
Molecular consequence: synonymous variant.
Genome position (GRCh38, 1-based): chr16:89,769,947, G>C on the plus strand (C>G on the coding strand, the complement: FANCA is on the minus strand). VCF-style: chr16-89769947-G-C. GRCh37 (hg19) VCF-style: chr16-89836355-G-C.
Other names: c.2394C>G, p.Leu798= (NM_001286167.3).
Identifiers: ClinVar variation 4067960 (VCV004067960.2).

ClinVar aggregate classification (germline): Uncertain significance. Review status: criteria provided, single submitter (1 of 4 stars). 2 submissions from 2 submitters: Uncertain significance (1). 1 of the submissions does not count toward it. Last evaluated 2025-04-15.

Conditions:
Fanconi anemia (FA). Also called: Fanconi's anemia. Identifiers: Orphanet 84, MedGen C0015625, MeSH D005199, MONDO:0019391.

gnomAD v4.1: 3 of 1,614,086 alleles (0.00019%); highest among the groups gnomAD compares: South Asian, 0.0011%; no homozygotes.

Submissions (2):

Quest Diagnostics Nichols Institute San Juan Capistrano
Classification: Uncertain significance. Last evaluated: 2025-04-15. Review status: criteria provided, single submitter. Criteria: Quest Diagnostics criteria. Collection method: clinical testing. Allele origin: unknown.
Comment: The FANCA c.2394C>G (p.Leu798=) synonymous variant has not been reported in individuals with FANCA-related conditions in the published literature. It also has not been reported in large, multi-ethnic general populations (Genome Aggregation Database). Analysis of this variant using software algorithms for the prediction of the effect of nucleotide changes on splicing yielded predictions that this variant does not affect FANCA mRNA splicing. Based on the available information, we are unable to determine the clinical significance of this variant.

Natera, Inc.
Classification: Uncertain significance for Fanconi anemia. Last evaluated: 2025-04-10. Review status: no assertion criteria provided. Collection method: clinical testing. Allele origin: germline. Not counted in ClinVar's aggregate classification.